The following is an entry in ClinVar:

NM_145290.4(ADGRA3):c.2819T>C (p.Ile940Thr)

Gene: ADGRA3 (adhesion G protein-coupled receptor A3; minus strand). Cytogenetic location: 4p15.2.
Variant type: single nucleotide variant.
Coding change: c.2819T>C on transcript NM_145290.4 (MANE Select); coding-DNA position 2819, T replaced by C.
Protein change: p.Ile940Thr; replaces isoleucine 940 with threonine.
Molecular consequence: missense variant.
Genome position (GRCh38, 1-based): chr4:22,388,852, A>G on the plus strand (T>C on the coding strand, the complement: ADGRA3 is on the minus strand). VCF-style: chr4-22388852-A-G. GRCh37 (hg19) VCF-style: chr4-22390475-A-G.
Other names: short protein forms I940T.
Identifiers: ClinVar variation 1383034 (VCV001383034.6), dbSNP rs1713971428, ClinGen allele CA356474783.

ClinVar aggregate classification (germline): Uncertain significance (1 of 4 stars; one submission).

Submission:

Labcorp Genetics (formerly Invitae), Labcorp
Classification: Uncertain significance. Last evaluated: 2021-11-14. Review status: criteria provided, single submitter. Criteria: Invitae Variant Classification Sherloc (09022015). Collection method: clinical testing. Allele origin: germline.
Comment: This variant is not present in population databases (gnomAD no frequency). This sequence change replaces isoleucine, which is neutral and non-polar, with threonine, which is neutral and polar, at codon 940 of the ADGRA3 protein (p.Ile940Thr). In summary, the available evidence is currently insufficient to determine the role of this variant in disease. Therefore, it has been classified as a Variant of Uncertain Significance. Algorithms developed to predict the effect of missense changes on protein structure and function (SIFT, PolyPhen-2, Align-GVGD) all suggest that this variant is likely to be disruptive. This variant has not been reported in the literature in individuals affected with ADGRA3-related conditions.